The following is an entry in ClinVar:

NM_031935.3(HMCN1):c.8227T>C (p.Tyr2743His)

Gene: HMCN1 (hemicentin 1; plus strand). Cytogenetic location: 1q31.1.
Variant type: single nucleotide variant.
Coding change: c.8227T>C on transcript NM_031935.3 (MANE Select); coding-DNA position 8227, T replaced by C.
Protein change: p.Tyr2743His; replaces tyrosine 2743 with histidine.
Molecular consequence: missense variant.
Genome position (GRCh38, 1-based): chr1:186,074,828, T>C. VCF-style: chr1-186074828-T-C. GRCh37 (hg19) VCF-style: chr1-186043960-T-C.
Other names: short protein forms Y2743H.
Identifiers: ClinVar variation 2007925 (VCV002007925.4), dbSNP rs1246976583, ClinGen allele CA343911376.

ClinVar aggregate classification (germline): Uncertain significance (1 of 4 stars; one submission).

gnomAD v4.1: 1 of 1,613,104 alleles (0.000062%); highest among the groups gnomAD compares: Non-Finnish European, 0.000085%; no homozygotes.

Submission:

Labcorp Genetics (formerly Invitae), Labcorp
Classification: Uncertain significance. Last evaluated: 2022-06-18. Review status: criteria provided, single submitter. Criteria: Invitae Variant Classification Sherloc (09022015). Collection method: clinical testing. Allele origin: germline.
Comment: In summary, the available evidence is currently insufficient to determine the role of this variant in disease. Therefore, it has been classified as a Variant of Uncertain Significance. Algorithms developed to predict the effect of missense changes on protein structure and function (SIFT, PolyPhen-2, Align-GVGD) all suggest that this variant is likely to be disruptive. This variant has not been reported in the literature in individuals affected with HMCN1-related conditions. This variant is present in population databases (no rsID available, gnomAD 0.0009%). This sequence change replaces tyrosine, which is neutral and polar, with histidine, which is basic and polar, at codon 2743 of the HMCN1 protein (p.Tyr2743His).